The following is an entry in ClinVar:

ClinVar aggregate classification (germline): Uncertain significance (1 of 4 stars; one submission).

Conditions:
Mitochondrial complex II deficiency, nuclear type 1. Also called: SUCCINATE CoQ REDUCTASE DEFICIENCY. Identifiers: Orphanet 3208, MedGen C5700310, MONDO:0100294, OMIM 252011.
Pheochromocytoma/paraganglioma syndrome 5. Also called: Paragangliomas 5; SDHA-Related Hereditary Paraganglioma-Pheochromocytoma Syndrome. Identifiers: Orphanet 29072, MedGen C3279992, MONDO:0013602, OMIM 614165.

Submission:

Labcorp Genetics (formerly Invitae), Labcorp
Classification: Uncertain significance for Pheochromocytoma/paraganglioma syndrome 5; Mitochondrial complex II deficiency, nuclear type 1. Last evaluated: 2019-05-20. Review status: criteria provided, single submitter. Criteria: Invitae Variant Classification Sherloc (09022015). Collection method: clinical testing. Allele origin: germline.
Comment: This sequence change replaces serine with tyrosine at codon 44 of the SDHA protein (p.Ser44Tyr). The serine residue is highly conserved and there is a large physicochemical difference between serine and tyrosine. This variant is not present in population databases (ExAC no frequency). This variant has not been reported in the literature in individuals with SDHA-related conditions. Algorithms developed to predict the effect of missense changes on protein structure and function are either unavailable or do not agree on the potential impact of this missense change (SIFT: "Deleterious"; PolyPhen-2: "Benign"; Align-GVGD: "Class C25"). In summary, the available evidence is currently insufficient to determine the role of this variant in disease. Therefore, it has been classified as a Variant of Uncertain Significance.

NM_004168.4(SDHA):c.131C>A (p.Ser44Tyr)

Gene: SDHA (succinate dehydrogenase complex flavoprotein subunit A; plus strand). Cytogenetic location: 5p15.33.
Variant type: single nucleotide variant.
Coding change: c.131C>A on transcript NM_004168.4 (MANE Select); coding-DNA position 131, C replaced by A.
Protein change: p.Ser44Tyr; replaces serine 44 with tyrosine.
Molecular consequence: missense variant.
Genome position (GRCh38, 1-based): chr5:223,549, C>A. VCF-style: chr5-223549-C-A. GRCh37 (hg19) VCF-style: chr5-223664-C-A.
Other names: c.131C>A, p.Ser44Tyr (NM_001294332.2, NM_001330758.2); short protein forms S44Y.
Identifiers: ClinVar variation 952328 (VCV000952328.10), dbSNP rs1734835164, ClinGen allele CA359008255.